The following is an entry in ClinVar:

ClinVar aggregate classification (germline): Conflicting classifications of pathogenicity. Review status: criteria provided, conflicting classifications (1 of 4 stars). 3 submissions from 3 submitters: Uncertain significance (1); Likely benign (1). 1 of the submissions does not count toward it. Last evaluated 2024-09-18.

Conditions:
HEMOGLOBIN BUFFALO.

Allele frequency attached by ClinVar (database versions not stated): gnomAD exomes below 0.00001.
gnomAD v4.1: 2 of 1,556,356 alleles (0.00013%); highest among the groups gnomAD compares: African/African-American, 0.0027%; no homozygotes.

Submissions (3):

Women's Health and Genetics/Laboratory Corporation of America, LabCorp
Classification: Uncertain significance. Last evaluated: 2024-09-18. Review status: criteria provided, single submitter. Criteria: LabCorp Variant Classification Summary - May 2015. Collection method: clinical testing. Allele origin: germline.
Comment: Variant summary: HBA1 c.270C>G (p.His90Gln, also known as Hb Buffalo, alpha89(FG1)His>Gln) results in a non-conservative amino acid change located in the Globin domain (IPR000971) of the encoded protein sequence. Three of four in-silico tools predict a damaging effect of the variant on protein function. The frequency data for this variant in gnomAD is considered unreliable, as metrics indicate poor data quality at this position. c.270C>G has been reported in the literature in healthy individuals (Hoyer_2002). The report does not provide unequivocal conclusions about association of the variant with Alpha Thalassemia. To our knowledge, no experimental evidence demonstrating an impact on protein function has been reported. The following publications have been ascertained in the context of this evaluation (PMID: 12403494, 15166271). ClinVar contains an entry for this variant (Variation ID: 15885). Based on the evidence outlined above, the variant was classified as uncertain significance.

ARUP Laboratories, Molecular Genetics and Genomics, ARUP Laboratories
Classification: Likely benign. Last evaluated: 2020-02-27. Review status: criteria provided, single submitter. Criteria: ARUP Molecular Germline Variant Investigation Process. Collection method: clinical testing. Allele origin: germline.

OMIM
Classification: other for HEMOGLOBIN BUFFALO. Last evaluated: 2016-07-20. Review status: no assertion criteria provided. Collection method: literature only. Allele origin: germline. Not counted in ClinVar's aggregate classification.

Literature cited by the submitters: PubMed 12403494 (cited by Women's Health and Genetics/Laboratory Corporation of America, LabCorp and OMIM); PubMed 15166271 (cited by Women's Health and Genetics/Laboratory Corporation of America, LabCorp); PubMed 15481890 (cited by OMIM).

NM_000558.3(HBA1):c.270C>G (p.His90Gln)

Genes: HBA1 (hemoglobin subunit alpha 1; plus strand), LOC106804613 (hemoglobin subunit alpha 1 recombination region; plus strand). Cytogenetic location: 16p13.3.
Variant type: single nucleotide variant.
Coding change: c.270C>G on transcript NM_000558.3; coding-DNA position 270, C replaced by G.
Protein change: p.His90Gln; replaces histidine 90 with glutamine.
Molecular consequence: missense variant (on NM_000558.5).
Genome position (GRCh38, 1-based): chr16:177,103, C>G. VCF-style: chr16-177103-C-G. GRCh37 (hg19) VCF-style: chr16-227102-C-G.
Other names: H89Q; Hb Reeuwijk; c.270C>G, p.His90Gln (NM_000558.5); short protein forms H90Q.
Identifiers: ClinVar variation 15885 (VCV000015885.12), dbSNP rs1061009, ClinGen allele CA126013.